The following is an entry in ClinVar:

NM_001040436.3(YARS2):c.948_957del

Gene: YARS2 (tyrosyl-tRNA synthetase 2; minus strand). Cytogenetic location: 12p11.21.
Variant type: Deletion.
Coding change: c.948_957del on transcript NM_001040436.3 (MANE Select); coding-DNA positions 948 to 957, 10 bases deleted (GTACCTGAAG; older notation c.948_957delGTACCTGAAG).
Molecular consequence: splice acceptor variant.
Genome position (GRCh38, 1-based): chr12:32,750,865-32,750,874, CTTCAGGTAC deleted on the plus strand (GTACCTGAAG on the coding strand, the reverse complement: YARS2 is on the minus strand); deleting any 10 consecutive bases within chr12:32,750,865-32,750,877 gives the same sequence; the c. name uses the placement nearest the transcript's 3' end. VCF-style (leftmost placement, unchanged base first): chr12-32750864-GCTTCAGGTAC-G. GRCh37 (hg19) VCF-style: chr12-32903798-GCTTCAGGTAC-G.
Identifiers: ClinVar variation 3776783 (VCV003776783.2).

ClinVar aggregate classification (germline): Pathogenic/Likely pathogenic. Review status: criteria provided, multiple submitters, no conflicts (2 of 4 stars). 2 submissions from 2 submitters: Pathogenic (1); Likely pathogenic (1). Last evaluated 2025-09-04.

Conditions:
Myopathy, lactic acidosis, and sideroblastic anemia 2 (MLASA2). Identifiers: Orphanet 2598, MedGen C3150802, MONDO:0013307, OMIM 613561.

Submissions (2):

Labcorp Genetics (formerly Invitae), Labcorp
Classification: Pathogenic. Last evaluated: 2025-09-04. Review status: criteria provided, single submitter. Criteria: Invitae Variant Classification Sherloc (09022015). Collection method: clinical testing. Allele origin: germline.
Comment: This sequence change creates a premature translational stop signal (p.Arg316Serfs*35) in the YARS2 gene. It is expected to result in an absent or disrupted protein product. Loss-of-function variants in YARS2 are known to be pathogenic (PMID: 20598274, 24344687, 25638461). This variant is not present in population databases (gnomAD no frequency). This premature translational stop signal has been observed in individual(s) with YARS2-related conditions (PMID: 38703036). ClinVar contains an entry for this variant (Variation ID: 3776783). Algorithms developed to predict the effect of sequence changes on RNA splicing suggest that this variant may disrupt the consensus splice site. For these reasons, this variant has been classified as Pathogenic.

Service de Génétique Médicale, Centre Hospitalier Universitaire de Nice-Université Côte d'Azur
Classification: Likely pathogenic for Myopathy, lactic acidosis, and sideroblastic anemia 2. Last evaluated: 2024-02-27. Review status: criteria provided, single submitter. Criteria: ACMG Guidelines, 2015. Collection method: clinical testing. Allele origin: germline. Affected: yes.

Literature cited by the submitters: PubMed 20598274 (cited by Labcorp Genetics (formerly Invitae), Labcorp); PubMed 24344687 (cited by Labcorp Genetics (formerly Invitae), Labcorp); PubMed 25638461 (cited by Labcorp Genetics (formerly Invitae), Labcorp); PubMed 38703036 (cited by Labcorp Genetics (formerly Invitae), Labcorp and Service de Génétique Médicale, Centre Hospitalier Universitaire de Nice-Université Côte d'Azur).